The following is an entry in ClinVar:

ClinVar aggregate classification (germline): Uncertain significance. Review status: criteria provided, multiple submitters, no conflicts (2 of 4 stars). 2 submissions from 2 submitters: Uncertain significance (2). Last evaluated 2026-01-12.

Conditions:
Inborn genetic diseases. Identifiers: MedGen C0950123, MeSH D030342.

Allele frequency attached by ClinVar (database versions not stated): TOPMed 0.00001; gnomAD 0.00002; ExAC 0.00006; ESP Exome Variant Server 0.00015; 1000 Genomes Project 30x 0.00016; 1000 Genomes Project 0.00020.
gnomAD v4.1: 47 of 1,613,984 alleles (0.0029%); highest among the groups gnomAD compares: East Asian, 0.018%; no homozygotes.

Submissions (2):

Labcorp Genetics (formerly Invitae), Labcorp
Classification: Uncertain significance. Last evaluated: 2026-01-12. Review status: criteria provided, single submitter. Criteria: Invitae Variant Classification Sherloc (09022015). Collection method: clinical testing. Allele origin: germline.
Comment: This sequence change replaces glycine, which is neutral and non-polar, with arginine, which is basic and polar, at codon 107 of the CASQ1 protein (p.Gly107Arg). This variant is present in population databases (rs143532190, gnomAD 0.03%). This variant has not been reported in the literature in individuals affected with CASQ1-related conditions. ClinVar contains an entry for this variant (Variation ID: 1987355). Invitae Evidence Modeling of protein sequence and biophysical properties (such as structural, functional, and spatial information, amino acid conservation, physicochemical variation, residue mobility, and thermodynamic stability) indicates that this missense variant is expected to disrupt CASQ1 protein function with a positive predictive value of 80%. In summary, the available evidence is currently insufficient to determine the role of this variant in disease. Therefore, it has been classified as a Variant of Uncertain Significance.

Ambry Genetics
Classification: Uncertain significance for Inborn genetic diseases. Last evaluated: 2023-12-14. Review status: criteria provided, single submitter. Criteria: Ambry Variant Classification Scheme 2023. Collection method: clinical testing. Allele origin: germline.

NM_001231.5(CASQ1):c.319G>A (p.Gly107Arg)

Gene: CASQ1 (calsequestrin 1; plus strand). Cytogenetic location: 1q23.2.
Variant type: single nucleotide variant.
Coding change: c.319G>A on transcript NM_001231.5 (MANE Select); coding-DNA position 319, G replaced by A.
Protein change: p.Gly107Arg; replaces glycine 107 with arginine.
Molecular consequence: missense variant.
Genome position (GRCh38, 1-based): chr1:160,192,841, G>A. VCF-style: chr1-160192841-G-A. GRCh37 (hg19) VCF-style: chr1-160162631-G-A.
Other names: c.319G>A (NM_001231.4); short protein forms G107R.
Identifiers: ClinVar variation 1987355 (VCV001987355.5), dbSNP rs143532190, ClinGen allele CA1196139.
Genomic context (GRCh38, chr1:160,192,841, plus strand): 5'-AATCATAATCCTTCCCTCCAGTTAGCAGCCCAAGTCCTAGAAGACAAGGGTGTTGGCTTC[G>A]GGCTGGTAGACTCTGAGAAGGATGCAGCTGTGGCCAAGAAACTAGGTAAGAGAGGGGAGG-3'
Protein context (NP_001222.3, residues 97-117): QVLEDKGVGF[Gly107Arg]LVDSEKDAAV